The following is an entry in ClinVar:

NC_000001.11:g.(?_161340584)_(161356850_?)del

Gene: SDHC (succinate dehydrogenase complex subunit C; plus strand). Cytogenetic location: 1q23.3.
Variant type: Deletion.
Identifiers: ClinVar variation 833142 (VCV000833142.16).

ClinVar aggregate classification (germline): Pathogenic (1 of 4 stars; one submission).

Conditions:
Pheochromocytoma/paraganglioma syndrome 3. Also called: GLOMUS TUMORS, FAMILIAL, 3; Paragangliomas 3; SDHC-Related Hereditary Paraganglioma-Pheochromocytoma Syndrome (Paragangliomas 3); SDHC-Related Hereditary Paraganglioma-Pheochromocytoma Syndrome. Identifiers: Orphanet 29072, MedGen C1854336, MONDO:0011544, OMIM 605373.
Gastrointestinal stromal tumor. Also called: Gastrointestinal stromal tumor, somatic; Gastrointestinal stroma tumor. Identifiers: Orphanet 44890, MedGen C0238198, MeSH D046152, MONDO:0011719, OMIM 606764, HP:0100723.

Submission:

Labcorp Genetics (formerly Invitae), Labcorp
Classification: Pathogenic for Pheochromocytoma/paraganglioma syndrome 3; Gastrointestinal stromal tumor. Last evaluated: 2019-02-11. Review status: criteria provided, single submitter. Criteria: Invitae Variant Classification Sherloc (09022015). Collection method: clinical testing. Allele origin: germline.
Comment: For these reasons, this variant has been classified as Pathogenic. Sub-genic deletions of exon 5 have been determined to be pathogenic (PMID: 19351833). Therefore, deletions that fully encompass that region are also expected to be pathogenic. This variant has not been reported in the literature in individuals with SDHC-related conditions. This variant is a sub-genic deletion of the genomic region encompassing exons 4-5 of the SDHC gene. While this deletion is not anticipated to result in nonsense mediated decay, it is expected to create a truncated protein product.

Literature cited by the submitters: PubMed 19351833.